The following is an entry in ClinVar:

NM_000051.4(ATM):c.7470C>T (p.Leu2490=)

Genes: ATM (ATM serine/threonine kinase; plus strand), C11orf65 (chromosome 11 open reading frame 65; minus strand). Cytogenetic location: 11q22.3.
Variant type: single nucleotide variant.
Coding change: c.7470C>T on transcript NM_000051.4 (MANE Select); coding-DNA position 7470, C replaced by T.
Protein change: p.Leu2490=; no amino-acid change (leucine 2490 retained).
Molecular consequence: synonymous variant. On other transcripts: intron variant (2).
Genome position (GRCh38, 1-based): chr11:108,330,376, C>T. VCF-style: chr11-108330376-C-T. GRCh37 (hg19) VCF-style: chr11-108201103-C-T.
Other names: c.7470C>T, p.Leu2490= (NM_001351834.2); c.641-21305G>A (NM_001330368.2); c.*38+4844G>A (NM_001351110.2).
Identifiers: ClinVar variation 3254142 (VCV003254142.1), dbSNP rs1057521604.

ClinVar aggregate classification (germline): Benign (1 of 4 stars; one submission).

Conditions:
Familial cancer of breast. Also called: hereditary breast carcinoma; BREAST CANCER, FAMILIAL; Hereditary breast cancer. Identifiers: Orphanet 227535, MedGen C0346153, MONDO:0016419, OMIM 114480. Disease mechanism: loss of function.

Submission:

Myriad Genetics, Inc.
Classification: Benign for Familial cancer of breast. Last evaluated: 2024-06-14. Review status: criteria provided, single submitter. Criteria: Myriad Autosomal Dominant, Autosomal Recessive and X-Linked Classification Criteria (2023). Collection method: clinical testing. Allele origin: unknown.
Comment: This variant is considered benign. This variant is a silent/synonymous amino acid change and it is not expected to impact splicing.